The following is an entry in ClinVar:

ClinVar aggregate classification (germline): Uncertain significance. Review status: criteria provided, multiple submitters, no conflicts (2 of 4 stars). 4 submissions from 4 submitters: Uncertain significance (3). 1 of the submissions does not count toward it. Last evaluated 2023-08-09.

Conditions:
Primary ciliary dyskinesia. Also called: Ciliary dyskinesia. Identifiers: Orphanet 244, MedGen C0008780, MONDO:0016575, HP:0012265.

Allele frequency attached by ClinVar (database versions not stated): gnomAD exomes 0.00001; ExAC 0.00002.

Submissions (4):

Blueprint Genetics
Classification: Uncertain significance. Last evaluated: 2023-08-09. Review status: criteria provided, single submitter. Criteria: ACMG Guidelines, 2015. Collection method: clinical testing. Allele origin: germline.

Labcorp Genetics (formerly Invitae), Labcorp
Classification: Uncertain significance for Primary ciliary dyskinesia. Last evaluated: 2021-08-20. Review status: criteria provided, single submitter. Criteria: Invitae Variant Classification Sherloc (09022015). Collection method: clinical testing. Allele origin: germline.
Comment: This sequence change replaces arginine with tryptophan at codon 1840 of the DNAH5 protein (p.Arg1840Trp). The arginine residue is highly conserved and there is a moderate physicochemical difference between arginine and tryptophan. This variant is present in population databases (rs760640325, ExAC 0.01%). This variant has not been reported in the literature in individuals affected with DNAH5-related conditions. Algorithms developed to predict the effect of missense changes on protein structure and function are either unavailable or do not agree on the potential impact of this missense change (SIFT: "Deleterious"; PolyPhen-2: "Possibly Damaging"; Align-GVGD: "Class C0"). In summary, the available evidence is currently insufficient to determine the role of this variant in disease. Therefore, it has been classified as a Variant of Uncertain Significance.

Ambry Genetics
Classification: Uncertain significance for Primary ciliary dyskinesia. Last evaluated: 2016-09-19. Review status: criteria provided, single submitter. Criteria: Ambry Variant Classification Scheme 2023. Collection method: clinical testing. Allele origin: germline.
Comment: The p.R1840W variant (also known as c.5518C>T), located in coding exon 34 of the DNAH5 gene, results from a C to T substitution at nucleotide position 5518. The arginine at codon 1840 is replaced by tryptophan, an amino acid with dissimilar properties. This variant was not reported in population based cohorts in the following databases: Database of Single Nucleotide Polymorphisms (dbSNP), NHLBI Exome Sequencing Project (ESP), and 1000 Genomes Project. In the ESP, this variant was not observed in 6503 samples (13006 alleles) with coverage at this position. This amino acid position is highly conserved in available vertebrate species. In addition, the in silico prediction for this alteration is inconclusive. Since supporting evidence is limited at this time, the clinical significance of this alteration remains unclear.

Natera, Inc.
Classification: Uncertain significance for Primary ciliary dyskinesia. Last evaluated: 2020-03-11. Review status: no assertion criteria provided. Collection method: clinical testing. Allele origin: germline. Not counted in ClinVar's aggregate classification.

NM_001369.3(DNAH5):c.5518C>T (p.Arg1840Trp)

Gene: DNAH5 (dynein axonemal heavy chain 5; minus strand). Cytogenetic location: 5p15.2.
Variant type: single nucleotide variant.
Coding change: c.5518C>T on transcript NM_001369.3 (MANE Select); coding-DNA position 5518, C replaced by T.
Protein change: p.Arg1840Trp; replaces arginine 1840 with tryptophan.
Molecular consequence: missense variant.
Genome position (GRCh38, 1-based): chr5:13,841,097, G>A on the plus strand (C>T on the coding strand, the complement: DNAH5 is on the minus strand). VCF-style: chr5-13841097-G-A. GRCh37 (hg19) VCF-style: chr5-13841206-G-A.
Other names: short protein forms R1840W.
Identifiers: ClinVar variation 642092 (VCV000642092.10), dbSNP rs760640325, ClinGen allele CA3203647.